The following is an entry in ClinVar:

NM_006361.6(HOXB13):c.356A>T (p.Glu119Val)

Gene: HOXB13 (homeobox B13; minus strand). Cytogenetic location: 17q21.32.
Variant type: single nucleotide variant.
Coding change: c.356A>T on transcript NM_006361.6 (MANE Select); coding-DNA position 356, A replaced by T.
Protein change: p.Glu119Val; replaces glutamic acid 119 with valine.
Molecular consequence: missense variant.
Genome position (GRCh38, 1-based): chr17:48,728,238, T>A on the plus strand (A>T on the coding strand, the complement: HOXB13 is on the minus strand). VCF-style: chr17-48728238-T-A. GRCh37 (hg19) VCF-style: chr17-46805600-T-A.
Other names: short protein forms E119V.
Identifiers: ClinVar variation 823942 (VCV000823942.19), dbSNP rs1383196644, ClinGen allele CA400107631.

ClinVar aggregate classification (germline): Uncertain significance. Review status: criteria provided, multiple submitters, no conflicts (2 of 4 stars). 5 submissions from 5 submitters: Uncertain significance (5). Last evaluated 2026-01-18.

Conditions:
Hereditary cancer-predisposing syndrome. Also called: Neoplastic Syndromes, Hereditary; Tumor predisposition; Hereditary neoplastic syndrome; Hereditary Cancer Syndrome. Identifiers: Orphanet 140162, MedGen C0027672, MeSH D009386, MONDO:0015356.

Allele frequency attached by ClinVar (database versions not stated): gnomAD 0.00001; gnomAD exomes 0.00001 and 0.00007; TOPMed 0.00002.

Submissions (5):

Labcorp Genetics (formerly Invitae), Labcorp
Classification: Uncertain significance. Last evaluated: 2026-01-18. Review status: criteria provided, single submitter. Criteria: Invitae Variant Classification Sherloc (09022015). Collection method: clinical testing. Allele origin: germline.
Comment: This sequence change replaces glutamic acid, which is acidic and polar, with valine, which is neutral and non-polar, at codon 119 of the HOXB13 protein (p.Glu119Val). This variant is present in population databases (no rsID available, gnomAD 0.003%). This variant has not been reported in the literature in individuals affected with HOXB13-related conditions. ClinVar contains an entry for this variant (Variation ID: 823942). Invitae Evidence Modeling of protein sequence and biophysical properties (such as structural, functional, and spatial information, amino acid conservation, physicochemical variation, residue mobility, and thermodynamic stability) indicates that this missense variant is not expected to disrupt HOXB13 protein function with a negative predictive value of 80%. In summary, the available evidence is currently insufficient to determine the role of this variant in disease. Therefore, it has been classified as a Variant of Uncertain Significance.

GeneDx
Classification: Uncertain significance. Last evaluated: 2024-11-22. Review status: criteria provided, single submitter. Criteria: GeneDx Variant Classification Process June 2021. Collection method: clinical testing. Allele origin: germline. Affected: yes.
Comment: Not observed at significant frequency in large population cohorts (gnomAD); In silico analysis supports that this missense variant has a deleterious effect on protein structure/function; Has not been previously published as pathogenic or benign to our knowledge

Ambry Genetics
Classification: Uncertain significance for Hereditary cancer-predisposing syndrome. Last evaluated: 2024-09-10. Review status: criteria provided, single submitter. Criteria: Ambry Variant Classification Scheme 2023. Collection method: clinical testing. Allele origin: germline.
Comment: The p.E119V variant (also known as c.356A>T), located in coding exon 1 of the HOXB13 gene, results from an A to T substitution at nucleotide position 356. The glutamic acid at codon 119 is replaced by valine, an amino acid with dissimilar properties. This amino acid position is not well conserved in available vertebrate species. In addition, this alteration is predicted to be tolerated by in silico analysis. Since supporting evidence is limited at this time, the clinical significance of this alteration remains unclear.

Institute for Clinical Genetics, University Hospital TU Dresden, University Hospital TU Dresden
Classification: Uncertain significance. Last evaluated: 2021-11-03. Review status: criteria provided, single submitter. Criteria: ACMG Guidelines, 2015. Collection method: clinical testing. Allele origin: germline.

Sema4
Classification: Uncertain significance for Hereditary cancer-predisposing syndrome. Last evaluated: 2021-04-10. Review status: criteria provided, single submitter. Criteria: Sema4 Curation Guidelines. Collection method: curation. Allele origin: germline.
Comment: The HOXB13 c.356A>T (p.E119V) variant has not been reported in the literature to our knowledge. It was observed in 3/251354 chromosomes in the Genome Aggregation Database. The variant has been reported in ClinVar (Variation ID 823942). In silico tools suggest the impact of the variant on protein function is inconclusive, though these predictions have not been confirmed by functional studies. The evidence is insufficient to meet ACMG/AMP criteria for classifying the variant as benign or pathogenic. Thus, the clinical significance of this variant is currently uncertain.